The following is an entry in ClinVar:

ClinVar aggregate classification (germline): Likely benign (1 of 4 stars; one submission).

Allele frequency attached by ClinVar (database versions not stated): TOPMed 0.00003 and 0.00005.
gnomAD v4.1: 24 of 1,451,580 alleles (0.0017%); highest among the groups gnomAD compares: Non-Finnish European, 0.0019%; no homozygotes.

Submission:

GeneDx
Classification: Likely benign. Last evaluated: 2018-05-23. Review status: criteria provided, single submitter. Criteria: GeneDx Variant Classification (06012015). Collection method: clinical testing. Allele origin: germline. Affected: yes.
Comment: This variant is considered likely benign or benign based on one or more of the following criteria: it is a conservative change, it occurs at a poorly conserved position in the protein, it is predicted to be benign by multiple in silico algorithms, and/or has population frequency not consistent with disease.

NM_006086.4(TUBB3):c.-30G>T

Genes: TUBB3 (tubulin beta 3 class III; plus strand), LOC130059847 (ATAC-STARR-seq lymphoblastoid silent region 7932; plus strand). Cytogenetic location: 16q24.3.
Variant type: single nucleotide variant.
Coding change: c.-30G>T on transcript NM_006086.4 (MANE Select); 30 bases upstream of the start codon, G replaced by T.
Molecular consequence: 5 prime UTR variant. On other transcripts: intron variant (1).
Genome position (GRCh38, 1-based): chr16:89,923,372, G>T. VCF-style: chr16-89923372-G-T. GRCh37 (hg19) VCF-style: chr16-89989780-G-T.
Other names: c.-160+1127G>T (NM_001197181.2).
Identifiers: ClinVar variation 668581 (VCV000668581.1), dbSNP rs748332218, ClinGen allele CA8255866.